The following is an entry in ClinVar:

ClinVar aggregate classification (germline): Benign (0 of 4 stars; one submission).

Conditions:
SPATA13-related disorder. Also called: SPATA13-related condition.

Allele frequency attached by ClinVar (database versions not stated): 1000 Genomes Project 30x 0.01530; 1000 Genomes Project 0.01597; gnomAD 0.03327; ExAC 0.03347; ESP Exome Variant Server 0.03514; gnomAD exomes 0.04254.
gnomAD v4.1: 67,244 of 1,614,048 alleles (4.2%); highest among the groups gnomAD compares: Non-Finnish European, 4.8%; 1,585 homozygotes.

Submission:

PreventionGenetics, part of Exact Sciences
Classification: Benign for SPATA13-related condition. Last evaluated: 2019-03-25. Review status: no assertion criteria provided. Collection method: clinical testing. Allele origin: germline.
Comment: This variant is classified as benign based on ACMG/AMP sequence variant interpretation guidelines (Richards et al. 2015 PMID: 25741868, with internal and published modifications).

NM_001166271.3(SPATA13):c.1933C>T (p.Arg645Trp)

Gene: SPATA13 (spermatogenesis associated 13; plus strand). Cytogenetic location: 13q12.12.
Variant type: single nucleotide variant.
Coding change: c.1933C>T on transcript NM_001166271.3 (MANE Select); coding-DNA position 1933, C replaced by T.
Protein change: p.Arg645Trp; replaces arginine 645 with tryptophan.
Molecular consequence: missense variant.
Genome position (GRCh38, 1-based): chr13:24,249,756, C>T. VCF-style: chr13-24249756-C-T. GRCh37 (hg19) VCF-style: chr13-24823894-C-T.
Other names: c.2119C>T, p.Arg707Trp (NM_001286792.2); c.58C>T, p.Arg20Trp (NM_153023.4); short protein forms R20W, R645W, R707W.
Identifiers: ClinVar variation 3056629 (VCV003056629.2), dbSNP rs7330736, ClinGen allele CA6914011.